The following is an entry in ClinVar:

NM_015189.3(EXOC6B):c.1382G>A (p.Ser461Asn)

Gene: EXOC6B (exocyst complex component 6B; minus strand). Cytogenetic location: 2p13.2.
Variant type: single nucleotide variant.
Coding change: c.1382G>A on transcript NM_015189.3 (MANE Select); coding-DNA position 1382, G replaced by A.
Protein change: p.Ser461Asn; replaces serine 461 with asparagine.
Molecular consequence: missense variant. On other transcripts: non-coding transcript variant (2).
Genome position (GRCh38, 1-based): chr2:72,496,515, C>T on the plus strand (G>A on the coding strand, the complement: EXOC6B is on the minus strand). VCF-style: chr2-72496515-C-T. GRCh37 (hg19) VCF-style: chr2-72723644-C-T.
Other names: c.1382G>A, p.Ser461Asn (NM_001321729.2, NM_001321730.2, NM_001321731.2 and 1 more transcripts); c.1043G>A, p.Ser348Asn (NM_001321734.2); short protein forms S461N, S348N.
Identifiers: ClinVar variation 3655169 (VCV003655169.2).
Genomic context (GRCh38, chr2:72,496,515, plus strand): 5'-TTTTCCAGTTCTATATCTTGAAATGGGAATTGTCCTACCACCTTTTTGTACATCTCTTCA[C>T]TTGTTACTGGTATAGGACTGTAGTTGTCAGAATCAAGTATGTTTCTATAAATGGAAGGAT-3'
Protein context (NP_056004.1, residues 451-471): SDNYSPIPVT[Ser461Asn]EEMYKKVVGQ

ClinVar aggregate classification (germline): Uncertain significance (1 of 4 stars; one submission).

Submission:

Labcorp Genetics (formerly Invitae), Labcorp
Classification: Uncertain significance. Last evaluated: 2025-03-03. Review status: criteria provided, single submitter. Criteria: Invitae Variant Classification Sherloc (09022015). Collection method: clinical testing. Allele origin: germline.
Comment: This sequence change replaces serine, which is neutral and polar, with asparagine, which is neutral and polar, at codon 461 of the EXOC6B protein (p.Ser461Asn). This variant is not present in population databases (gnomAD no frequency). This variant has not been reported in the literature in individuals affected with EXOC6B-related conditions. Experimental studies and prediction algorithms are not available or were not evaluated, and the functional significance of this variant is currently unknown. In summary, the available evidence is currently insufficient to determine the role of this variant in disease. Therefore, it has been classified as a Variant of Uncertain Significance.